The following is an entry in ClinVar:

NM_001348768.2(HECW2):c.119A>C (p.Asn40Thr)

Gene: HECW2 (HECT, C2 and WW domain containing E3 ubiquitin protein ligase 2; minus strand). Cytogenetic location: 2q32.3.
Variant type: single nucleotide variant.
Coding change: c.119A>C on transcript NM_001348768.2 (MANE Select); coding-DNA position 119, A replaced by C.
Protein change: p.Asn40Thr; replaces asparagine 40 with threonine.
Molecular consequence: missense variant.
Genome position (GRCh38, 1-based): chr2:196,433,305, T>G on the plus strand (A>C on the coding strand, the complement: HECW2 is on the minus strand). VCF-style: chr2-196433305-T-G. GRCh37 (hg19) VCF-style: chr2-197298029-T-G.
Other names: c.119A>C, p.Asn40Thr (NM_020760.4); short protein forms N40T.
Identifiers: ClinVar variation 4537317 (VCV004537317.1).

ClinVar aggregate classification (germline): Uncertain significance (1 of 4 stars; one submission).

gnomAD v4.1: 21 of 1,614,044 alleles (0.0013%); highest among the groups gnomAD compares: Non-Finnish European, 0.0015%; no homozygotes.

Submission:

Women's Health and Genetics/Laboratory Corporation of America, LabCorp
Classification: Uncertain significance. Last evaluated: 2025-11-19. Review status: criteria provided, single submitter. Criteria: LabCorp Variant Classification Summary - May 2015. Collection method: clinical testing. Allele origin: germline.
Comment: Variant summary: HECW2 c.119A>C (p.Asn40Thr) results in a non-conservative amino acid change in the encoded protein sequence. Algorithms developed to predict the effect of missense changes on protein structure and function are either unavailable or do not agree on the potential impact of this missense change. The variant allele was found at a frequency of 8e-06 in 251338 control chromosomes. The available data on variant occurrences in the general population are insufficient to allow any conclusion about variant significance. To our knowledge, no occurrence of c.119A>C in individuals affected with HECW2-related conditions and no experimental evidence demonstrating its impact on protein function have been reported. No submitters have cited clinical-significance assessments for this variant to ClinVar. Based on the evidence outlined above, the variant was classified as uncertain significance.